The following is an entry in ClinVar:

NM_002691.4(POLD1):c.1548C>T (p.Ala516=)

Gene: POLD1 (DNA polymerase delta 1, catalytic subunit; plus strand). Cytogenetic location: 19q13.33.
Variant type: single nucleotide variant.
Coding change: c.1548C>T on transcript NM_002691.4 (MANE Select); coding-DNA position 1548, C replaced by T.
Protein change: p.Ala516=; no amino-acid change (alanine 516 retained).
Molecular consequence: synonymous variant. On other transcripts: non-coding transcript variant (1).
Genome position (GRCh38, 1-based): chr19:50,407,036, C>T. VCF-style: chr19-50407036-C-T. GRCh37 (hg19) VCF-style: chr19-50910293-C-T.
Other names: p.Ala516=; c.1548C>T, p.Ala516= (NM_001256849.1, NM_001308632.1).
Identifiers: ClinVar variation 380637 (VCV000380637.36), dbSNP rs2230247, ClinGen allele CA9596172.

ClinVar aggregate classification (germline): Benign. Review status: criteria provided, multiple submitters, no conflicts (2 of 4 stars). 19 submissions from 19 submitters: Benign (13). 6 of the submissions do not count toward it. Last evaluated 2026-02-04.

Conditions:
Hereditary cancer-predisposing syndrome. Also called: Neoplastic Syndromes, Hereditary; Hereditary neoplastic syndrome; Hereditary Cancer Syndrome; Tumor predisposition. Identifiers: Orphanet 140162, MedGen C0027672, MeSH D009386, MONDO:0015356.
Carcinoma of colon (CRC). Also called: Colon carcinoma; Colonic carcinoma. Identifiers: MedGen C0699790, MONDO:0002032.
POLD1-related polyposis and colorectal cancer syndrome (CRCS10). Also called: Colorectal cancer, susceptibility to, 10; Colorectal cancer 10; COLORECTAL CANCER, SUSCEPTIBILITY TO, ON CHROMOSOME 19q. Identifiers: Orphanet 220460, MedGen C2675481, MONDO:0012953, OMIM 612591.

Allele frequency attached by ClinVar (database versions not stated): gnomAD exomes 0.00422 and 0.01127; ExAC 0.01359; 1000 Genomes Project 0.04752; TOPMed 0.04805; ESP Exome Variant Server 0.04836; gnomAD 0.04204 and 0.04514; 1000 Genomes Project 30x 0.05122.

Submissions (19):

Labcorp Genetics (formerly Invitae), Labcorp
Classification: Benign for POLD1-related polyposis and colorectal cancer syndrome. Last evaluated: 2026-02-04. Review status: criteria provided, single submitter. Criteria: Invitae Variant Classification Sherloc (09022015). Collection method: clinical testing. Allele origin: germline.

GeneKor MSA
Classification: Benign for Hereditary cancer-predisposing syndrome. Last evaluated: 2025-07-10. Review status: criteria provided, single submitter. Criteria: ACMG Guidelines, 2015. Collection method: clinical testing. Allele origin: germline.

Center for Genomic Medicine, Rigshospitalet, Copenhagen University Hospital
Classification: Benign. Last evaluated: 2025-03-04. Review status: criteria provided, single submitter. Criteria: ACMG Guidelines, 2015. Collection method: clinical testing. Allele origin: germline.

Myriad Genetics, Inc.
Classification: Benign for POLD1-related polyposis and colorectal cancer syndrome. Last evaluated: 2025-02-06. Review status: criteria provided, single submitter. Criteria: Myriad Autosomal Dominant, Autosomal Recessive and X-Linked Classification Criteria (2023). Collection method: clinical testing. Allele origin: unknown.
Comment: This variant is considered benign. This variant is a silent/synonymous amino acid change and it is not expected to impact splicing.

Institute for Biomarker Research, Medical Diagnostic Laboratories, L.L.C.
Classification: Benign for Hereditary cancer-predisposing syndrome. Last evaluated: 2025-01-20. Review status: criteria provided, single submitter. Criteria: ACMG Guidelines, 2015. Collection method: clinical testing. Allele origin: germline.
Comment: The synonymous variant NM_001308632.1(POLD1):c.1548C>T (p.Ala516=) has been reported to ClinVar as Benign with a status of (2 stars) criteria provided, multiple submitters, no conflicts (Variation ID 380637 as of 2025-01-02).The p.Ala516= variant is observed in 238/5,008 (4.7524%) alleles from individuals of 1kG All background in 1kG, indicating it is a common benign variant. The p.Ala516= variant is not predicted to disrupt an existing splice site. The p.Ala516= variant results in a substitution of a base that is not predicted conserved by GERP++ and PhyloP. For these reasons, this variant has been classified as Benign.

KCCC/NGS Laboratory, Kuwait Cancer Control Center
Classification: Benign for POLD1-related polyposis and colorectal cancer syndrome. Last evaluated: 2023-07-07. Review status: criteria provided, single submitter. Criteria: ACMG Guidelines, 2015. Collection method: clinical testing. Allele origin: germline. Affected: yes.

Mayo Clinic Laboratories, Mayo Clinic
Classification: Benign. Last evaluated: 2021-05-06. Review status: criteria provided, single submitter. Criteria: ACMG Guidelines, 2015. Collection method: clinical testing. Allele origin: germline. Observed: 7 variant alleles.

Quest Diagnostics Nichols Institute San Juan Capistrano
Classification: Benign. Last evaluated: 2020-08-10. Review status: criteria provided, single submitter. Criteria: Quest Diagnostics criteria. Collection method: clinical testing. Allele origin: unknown.

PreventionGenetics, part of Exact Sciences
Classification: Benign. Last evaluated: 2016-12-06. Review status: criteria provided, single submitter. Criteria: ACMG Guidelines, 2015. Collection method: clinical testing. Allele origin: germline.

Women's Health and Genetics/Laboratory Corporation of America, LabCorp
Classification: Benign. Last evaluated: 2016-05-19. Review status: criteria provided, single submitter. Criteria: LabCorp Variant Classification Summary - May 2015. Collection method: clinical testing. Allele origin: germline.
Comment: Variant summary: The POLD1 c.1548C>T (p.Ala516Ala) variant involves the alteration of a non-conserved nucleotide, resulting in a synonymous change. One in silico tool predicts a polymorphism outcome for this variant. 5/5 splice prediction tools predict no significant impact on normal splicing. ESE finder predicts that this variant does not affect any ESE site. This variant was found in 1638/120504 control chromosomes (117 homozygotes) at a frequency of 0.0135929, which is approximately 957 times the estimated maximal expected allele frequency of a pathogenic POLD1 variant (0.0000142), suggesting this variant is likely a benign polymorphism. Taken together, this variant is classified as benign.

GeneDx
Classification: Benign. Last evaluated: 2015-11-13. Review status: criteria provided, single submitter. Criteria: GeneDx Variant Classification (06012015). Collection method: clinical testing. Allele origin: germline. Affected: yes.
Comment: This variant is considered likely benign or benign based on one or more of the following criteria: it is a conservative change, it occurs at a poorly conserved position in the protein, it is predicted to be benign by multiple in silico algorithms, and/or has population frequency not consistent with disease.

Ambry Genetics
Classification: Benign for Hereditary cancer-predisposing syndrome. Last evaluated: 2015-05-20. Review status: criteria provided, single submitter. Criteria: Ambry Variant Classification Scheme 2023. Collection method: clinical testing. Allele origin: germline.

Breakthrough Genomics
Classification: Benign. Review status: criteria provided, single submitter. Criteria: ACMG Guidelines, 2015. Collection method: not provided. Allele origin: germline. Inheritance: Autosomal dominant inheritance. Affected: yes.

True Health Diagnostics
Classification: Likely benign for Hereditary cancer-predisposing syndrome. Last evaluated: 2017-10-25. Review status: no assertion criteria provided. Collection method: clinical testing. Allele origin: germline. Not counted in ClinVar's aggregate classification.

Clinical Genetics, Academic Medical Center
Classification: Benign. Review status: no assertion criteria provided. Collection method: clinical testing. Allele origin: germline. Affected: yes. Study: VKGL Data-share Consensus. Not counted in ClinVar's aggregate classification.

Department of Pathology and Laboratory Medicine, Sinai Health System
Classification: Benign for Carcinoma of colon. Review status: no assertion criteria provided. Collection method: clinical testing. Allele origin: unknown. Affected: yes. Study: The Canadian Open Genetics Repository (COGR). Not counted in ClinVar's aggregate classification.
Comment: The POLD1 p.Ala516= variant was identified in dbSNP (ID: rs2230247) â€šÃ„ÃºWith Benign alleleâ€šÃ„Ã¹, ClinVar (classified benign by GeneDx, Invitae, Ambry Genetics and Quest Diagnostics Nichols Institute San Juan Capistrano), and in control databases in 3896 (256 homozygous) of 276142 chromosomes at a frequency of 0.01 increasing the likelihood this could be a low frequency benign variant (Genome Aggregation Database Feb 27, 2017). Breakdown of the observations by population include African in 3408 (250 homozygous) of 23952 chromosomes (freq: 0.14), Other in 42 of 6448 chromosomes (freq: 0.007), Latino in 328 (5 homozygous) of 34418 chromosomes (freq: 0.01), European Non-Finnish in 77 (1 homozygous) of 125860 chromosomes (freq: 0.0006), Ashkenazi Jewish in 32 of 10134 chromosomes (freq: 0.003), and South Asian in 9 of 30778 chromosomes (freq: 0.0003), while not observed in the East Asian and European Finnish populations. The p.Ala516= variant is not expected to have clinical significance because it does not result in a change of amino acid and is not located in a known consensus splice site. In addition, in silico or computational prediction software programs (SpliceSiteFinder, MaxEntScan, NNSPLICE, GeneSplicer, HumanSpliceFinder) do not predict a difference in splicing. In summary, based on the above information this variant meets our laboratory's criteria to be classified as benign.

Genome Diagnostics Laboratory, Amsterdam University Medical Center
Classification: Benign. Review status: no assertion criteria provided. Collection method: clinical testing. Allele origin: germline. Affected: yes. Study: VKGL Data-share Consensus. Not counted in ClinVar's aggregate classification.

Joint Genome Diagnostic Labs from Nijmegen and Maastricht, Radboudumc and MUMC+
Classification: Benign. Review status: no assertion criteria provided. Collection method: clinical testing. Allele origin: germline. Affected: yes. Study: VKGL Data-share Consensus. Not counted in ClinVar's aggregate classification.

Laboratory of Diagnostic Genome Analysis, Leiden University Medical Center (LUMC)
Classification: Benign. Review status: no assertion criteria provided. Collection method: clinical testing. Allele origin: germline. Affected: yes. Study: VKGL Data-share Consensus. Not counted in ClinVar's aggregate classification.